The following is an entry in ClinVar:

NM_001347995.2(ENTREP1):c.1163-5del

Gene: ENTREP1 (endosomal transmembrane epsin interactor 1; plus strand). Cytogenetic location: 9q21.12.
Variant type: Deletion.
Coding change: c.1163-5del on transcript NM_001347995.2 (MANE Select); 5 bases into the intron before coding-DNA position 1163, one base deleted (A; older notation c.1163-5delA).
Molecular consequence: intron variant.
Genome position (GRCh38, 1-based): chr9:69,385,790, A deleted; the last of 3 consecutive A bases (chr9:69,385,788-69,385,790); deleting any one gives the same sequence. VCF-style (leftmost placement, unchanged base first): chr9-69385787-TA-T. GRCh37 (hg19) VCF-style: chr9-72000703-TA-T.
Other names: c.704-5del (NM_001127608.3, NM_004816.5); c.704-7delA (NM_001127608.1); c.704-5delA (NM_001127608.1).
Identifiers: ClinVar variation 161521 (VCV000161521.6), dbSNP rs193921010, ClinGen allele CA174260.

ClinVar aggregate classification (germline): Benign. Review status: criteria provided, single submitter (1 of 4 stars). 2 submissions from 2 submitters: Benign (1). 1 of the submissions does not count toward it. Last evaluated 2018-07-01.

Conditions:
Prostate cancer. Also called: Malignant tumor of prostate. Identifiers: Orphanet 1331, MedGen C0376358, MONDO:0008315, HP:0012125.

Submissions (2):

GeneDx
Classification: Benign. Last evaluated: 2018-07-01. Review status: criteria provided, single submitter. Criteria: GeneDx Variant Classification Process June 2021. Collection method: clinical testing. Allele origin: germline. Affected: yes.

Science for Life laboratory,  Karolinska Institutet
Classification: Uncertain significance for Malignant tumor of prostate. Review status: no assertion criteria provided. Collection method: not provided. Allele origin: somatic. Not counted in ClinVar's aggregate classification.
Comment: TumorID:SWE-5
ClinVar note: Converted during submission from Unknown to Uncertain significance.